The following is an entry in ClinVar:

NM_012452.3(TNFRSF13B):c.61+2T>A

Gene: TNFRSF13B (TNF receptor superfamily member 13B; minus strand). Cytogenetic location: 17p11.2.
Variant type: single nucleotide variant.
Coding change: c.61+2T>A on transcript NM_012452.3 (MANE Select); the canonical splice donor site of the intron after coding-DNA position 61, T replaced by A.
Molecular consequence: splice donor variant.
Genome position (GRCh38, 1-based): chr17:16,972,013, A>T on the plus strand (T>A on the coding strand, the complement: TNFRSF13B is on the minus strand). VCF-style: chr17-16972013-A-T. GRCh37 (hg19) VCF-style: chr17-16875327-A-T.
Identifiers: ClinVar variation 942527 (VCV000942527.25), dbSNP rs760885614, ClinGen allele CA8414152.

ClinVar aggregate classification (germline): Pathogenic. Review status: criteria provided, single submitter (1 of 4 stars). 2 submissions from 2 submitters: Pathogenic (1). 1 of the submissions does not count toward it. Last evaluated 2026-01-07.

Conditions:
Common variable immunodeficiency (CVID). Also called: Common variable hypogamma-globulinemia; Common variable agammaglobulinemia. Identifiers: Orphanet 1572, MedGen C0009447, MONDO:0015517.
Immunodeficiency, common variable, 2 (CVID2). Also called: HYPOGAMMAGLOBULINEMIA DUE TO TACI DEFICIENCY; ANTIBODY DEFICIENCY DUE TO TACI DEFECT. Identifiers: Orphanet 1572, MedGen C3150354, MONDO:0009413, OMIM 240500.

Allele frequency attached by ClinVar (database versions not stated): gnomAD exomes 0.00001; ExAC 0.00002; TOPMed 0.00002.
gnomAD v4.1: 16 of 1,614,006 alleles (0.00099%); highest among the groups gnomAD compares: Admixed American, 0.012%; no homozygotes.

Submissions (2):

Labcorp Genetics (formerly Invitae), Labcorp
Classification: Pathogenic for Immunodeficiency, common variable, 2. Last evaluated: 2026-01-07. Review status: criteria provided, single submitter. Criteria: Invitae Variant Classification Sherloc (09022015). Collection method: clinical testing. Allele origin: germline.
Comment: This sequence change affects a donor splice site in intron 1 of the TNFRSF13B gene. It is expected to disrupt RNA splicing. Variants that disrupt the donor or acceptor splice site typically lead to a loss of protein function (PMID: 16199547), and loss-of-function variants in TNFRSF13B are known to be pathogenic (PMID: 16007087, 27123465). This variant is present in population databases (rs760885614, gnomAD 0.006%). Disruption of this splice site has been observed in individual(s) with common variable immunodeficiency (PMID: 19629655). ClinVar contains an entry for this variant (Variation ID: 942527). Studies have shown that disruption of this splice site alters TNFRSF13B gene expression (PMID: 19629655). Algorithms developed to predict the effect of sequence changes on RNA splicing suggest that this variant may disrupt the consensus splice site. For these reasons, this variant has been classified as Pathogenic.

Pediatric Infectious Diseases and Immunodeficiencies Unit (UPIIP)- HUVH-VHIR, Vall d'Hebron University Hospital
Classification: Likely pathogenic. Review status: no assertion criteria provided. Collection method: clinical testing. Allele origin: inherited. Affected: yes. Not counted in ClinVar's aggregate classification.
Comment: The variant has a very low frequency in the reference population databases (gnomad v2.1.1 MAF:0.00001). It affects the intron 1 donor splice site causing an aberrantly spliced transcript that lacks exon 2 (exon 2 skipping). We consider the variant Likely Pathogenic.

Literature cited by the submitters: PubMed 16199547 (cited by Labcorp Genetics (formerly Invitae), Labcorp); PubMed 16007087 (cited by Labcorp Genetics (formerly Invitae), Labcorp); PubMed 27123465 (cited by Labcorp Genetics (formerly Invitae), Labcorp); PubMed 19629655 (cited by Labcorp Genetics (formerly Invitae), Labcorp).